The following is an entry in ClinVar:

ClinVar aggregate classification (germline): Uncertain significance. Review status: criteria provided, single submitter (1 of 4 stars). 2 submissions from 2 submitters: Uncertain significance (1). 1 of the submissions does not count toward it. Last evaluated 2024-03-04.

Conditions:
MCTP2-related disorder. Also called: MCTP2-related condition.

Allele frequency attached by ClinVar (database versions not stated): ExAC 0.00003; gnomAD exomes 0.00003; gnomAD 0.00005; TOPMed 0.00005; ESP Exome Variant Server 0.00008.

Submissions (2):

Blueprint Genetics
Classification: Uncertain significance. Last evaluated: 2024-03-04. Review status: criteria provided, single submitter. Criteria: ACMG Guidelines, 2015. Collection method: clinical testing. Allele origin: germline.

PreventionGenetics, part of Exact Sciences
Classification: Uncertain significance for MCTP2-related condition. Last evaluated: 2023-11-06. Review status: no assertion criteria provided. Collection method: clinical testing. Allele origin: germline. Not counted in ClinVar's aggregate classification.
Comment: The MCTP2 c.949C>T variant is predicted to result in premature protein termination (p.Gln317*). To our knowledge, this variant has not been reported in the literature. This variant is reported in 0.0062% of alleles in individuals of European (Non-Finnish) descent in gnomAD. Loss of function is not an established mechanism of MCTP2-associated disease. At this time, the clinical significance of this variant is uncertain due to the absence of conclusive functional and genetic evidence.

NM_001385001.1(MCTP2):c.949C>T (p.Gln317Ter)

Gene: MCTP2 (multiple C2 and transmembrane domain containing 2; plus strand). Cytogenetic location: 15q26.2.
Variant type: single nucleotide variant.
Coding change: c.949C>T on transcript NM_001385001.1 (MANE Select); coding-DNA position 949, C replaced by T.
Protein change: p.Gln317Ter; replaces glutamine 317 with a stop codon.
Molecular consequence: nonsense. On other transcripts: non-coding transcript variant (7).
Genome position (GRCh38, 1-based): chr15:94,340,904, C>T. VCF-style: chr15-94340904-C-T. GRCh37 (hg19) VCF-style: chr15-94884133-C-T.
Other names: c.949C>T, p.Gln317Ter (NM_001159643.2, NM_001385002.1, NM_001385003.1 and 5 more transcripts); c.667C>T, p.Gln223Ter (NM_001385007.1, NM_001385011.1); c.451C>T, p.Gln151Ter (NM_001385009.1, NM_001385010.1); short protein forms Q151*, Q223*, Q317*.
Identifiers: ClinVar variation 3051066 (VCV003051066.3), dbSNP rs368508341, ClinGen allele CA7749743.